The following is an entry in ClinVar:

NM_001943.5(DSG2):c.1825G>C (p.Gly609Arg)

Gene: DSG2 (desmoglein 2; plus strand). Cytogenetic location: 18q12.1.
Variant type: single nucleotide variant.
Coding change: c.1825G>C on transcript NM_001943.5 (MANE Select); coding-DNA position 1825, G replaced by C.
Protein change: p.Gly609Arg; replaces glycine 609 with arginine.
Molecular consequence: missense variant.
Genome position (GRCh38, 1-based): chr18:31,538,924, G>C. VCF-style: chr18-31538924-G-C. GRCh37 (hg19) VCF-style: chr18-29118887-G-C.
Other names: short protein forms G609R.
Identifiers: ClinVar variation 1523649 (VCV001523649.6), dbSNP rs2144346907, ClinGen allele CA402138044.

ClinVar aggregate classification (germline): Uncertain significance (1 of 4 stars; one submission).

Conditions:
Arrhythmogenic right ventricular dysplasia 10. Also called: ARRHYTHMOGENIC RIGHT VENTRICULAR DYSPLASIA, FAMILIAL, 10; Arrhythmogenic Right Ventricular Dysplasia/Cardiomyopathy10; Arrhythmogenic right ventricular dysplasia/cardiomyopathy, type 10. Identifiers: MedGen C1857777, MONDO:0012434, OMIM 610193.

Submission:

Labcorp Genetics (formerly Invitae), Labcorp
Classification: Uncertain significance for Arrhythmogenic right ventricular dysplasia 10. Last evaluated: 2021-11-24. Review status: criteria provided, single submitter. Criteria: Invitae Variant Classification Sherloc (09022015). Collection method: clinical testing. Allele origin: germline.
Comment: In summary, the available evidence is currently insufficient to determine the role of this variant in disease. Therefore, it has been classified as a Variant of Uncertain Significance. Algorithms developed to predict the effect of missense changes on protein structure and function are either unavailable or do not agree on the potential impact of this missense change (SIFT: "Tolerated"; PolyPhen-2: "Probably Damaging"; Align-GVGD: "Class C0"). This variant has not been reported in the literature in individuals affected with DSG2-related conditions. This variant is not present in population databases (gnomAD no frequency). This sequence change replaces glycine, which is neutral and non-polar, with arginine, which is basic and polar, at codon 609 of the DSG2 protein (p.Gly609Arg).